The following is an entry in ClinVar:

NM_002485.5(NBN):c.1861G>A (p.Gly621Arg)

Genes: NBN (nibrin; minus strand), LOC126860438 (MED14-independent group 3 enhancer GRCh37_chr8:90959982-90961181; plus strand). Cytogenetic location: 8q21.3.
Variant type: single nucleotide variant.
Coding change: c.1861G>A on transcript NM_002485.5 (MANE Select); coding-DNA position 1861, G replaced by A.
Protein change: p.Gly621Arg; replaces glycine 621 with arginine.
Molecular consequence: missense variant.
Genome position (GRCh38, 1-based): chr8:89,947,877, C>T on the plus strand (G>A on the coding strand, the complement: NBN is on the minus strand). VCF-style: chr8-89947877-C-T. GRCh37 (hg19) VCF-style: chr8-90960105-C-T.
Other names: c.1615G>A, p.Gly539Arg (NM_001024688.3); short protein forms G539R, G621R.
Identifiers: ClinVar variation 861486 (VCV000861486.10), dbSNP rs1810270617, ClinGen allele CA371677290.

ClinVar aggregate classification (germline): Uncertain significance (1 of 4 stars; one submission).

Conditions:
Microcephaly, normal intelligence and immunodeficiency (NBS). Also called: SEEMANOVA SYNDROME II; IMMUNODEFICIENCY, MICROCEPHALY, AND CHROMOSOMAL INSTABILITY; Immunodeficiency, microcephaly with normal intelligence; BERLIN BREAKAGE SYNDROME; Nijmegen breakage syndrome; Microcephaly with normal intelligence immunodeficiency and lymphoreticular malignancies. Identifiers: Orphanet 647, MedGen C0398791, MONDO:0009623, OMIM 251260.

Allele frequency attached by ClinVar (database versions not stated): gnomAD below 0.00001 and 0.00001; gnomAD exomes below 0.00001.
gnomAD v4.1: 2 of 1,570,156 alleles (0.00013%); highest among the groups gnomAD compares: South Asian, 0.0023%; no homozygotes.

Submission:

Labcorp Genetics (formerly Invitae), Labcorp
Classification: Uncertain significance for Microcephaly, normal intelligence and immunodeficiency. Last evaluated: 2019-01-02. Review status: criteria provided, single submitter. Criteria: Invitae Variant Classification Sherloc (09022015). Collection method: clinical testing. Allele origin: germline.
Comment: Algorithms developed to predict the effect of missense changes on protein structure and function output the following: SIFT: "Tolerated"; PolyPhen-2: "Benign"; Align-GVGD: "Class C0". The arginine amino acid residue is found in multiple mammalian species, suggesting that this missense change does not adversely affect protein function. These predictions have not been confirmed by published functional studies and their clinical significance is uncertain. This variant has not been reported in the literature in individuals with NBN-related conditions. This variant is not present in population databases (ExAC no frequency). This sequence change replaces glycine with arginine at codon 621 of the NBN protein (p.Gly621Arg). The glycine residue is weakly conserved and there is a moderate physicochemical difference between glycine and arginine. In summary, the available evidence is currently insufficient to determine the role of this variant in disease. Therefore, it has been classified as a Variant of Uncertain Significance.